The following is an entry in ClinVar:

ClinVar aggregate classification (germline): Benign. Review status: criteria provided, multiple submitters, no conflicts (2 of 4 stars). 4 submissions from 4 submitters: Benign (3). 1 of the submissions does not count toward it. Last evaluated 2021-06-10.

Conditions:
Deficiency of alpha-mannosidase (MANSA). Also called: Mannosidosis, alpha-, types I and II; Alpha-Mannosidosis; LYSOSOMAL ALPHA-D-MANNOSIDASE DEFICIENCY. Identifiers: Orphanet 61, MedGen C0024748, MONDO:0009561, OMIM 248500.

Allele frequency attached by ClinVar (database versions not stated): 1000 Genomes Project 30x 0.36446; 1000 Genomes Project 0.36781; TOPMed 0.48440; gnomAD 0.50512 and 0.50963; gnomAD exomes 0.52395 and 0.61778; ExAC 0.53105; ESP Exome Variant Server 0.54405.
gnomAD v4.1: 935,624 of 1,546,094 alleles (61%); highest among the groups gnomAD compares: Non-Finnish European, 66%; 296,274 homozygotes.

Submissions (4):

Genome-Nilou Lab
Classification: Benign for Deficiency of alpha-mannosidase. Last evaluated: 2021-06-10. Review status: criteria provided, single submitter. Criteria: ACMG Guidelines, 2015. Collection method: clinical testing. Allele origin: germline. Affected: no.

GeneDx
Classification: Benign. Last evaluated: 2018-06-19. Review status: criteria provided, single submitter. Criteria: GeneDx Variant Classification (06012015). Collection method: clinical testing. Allele origin: germline. Affected: yes.
Comment: This variant is considered likely benign or benign based on one or more of the following criteria: it is a conservative change, it occurs at a poorly conserved position in the protein, it is predicted to be benign by multiple in silico algorithms, and/or has population frequency not consistent with disease.

Breakthrough Genomics
Classification: Benign. Review status: criteria provided, single submitter. Criteria: ACMG Guidelines, 2015. Collection method: not provided. Allele origin: germline. Inheritance: Autosomal recessive inheritance. Affected: yes.

Mayo Clinic Laboratories, Mayo Clinic
Classification: Benign. Last evaluated: 2015-10-23. Review status: no assertion criteria provided. Collection method: clinical testing. Allele origin: unknown. Not counted in ClinVar's aggregate classification.

NM_000528.4(MAN2B1):c.1310-22C>T

Gene: MAN2B1 (mannosidase alpha class 2B member 1; minus strand). Cytogenetic location: 19p13.13.
Variant type: single nucleotide variant.
Coding change: c.1310-22C>T on transcript NM_000528.4 (MANE Select); 22 bases into the intron before coding-DNA position 1310, C replaced by T.
Molecular consequence: intron variant.
Genome position (GRCh38, 1-based): chr19:12,657,577, G>A on the plus strand (C>T on the coding strand, the complement: MAN2B1 is on the minus strand). VCF-style: chr19-12657577-G-A. GRCh37 (hg19) VCF-style: chr19-12768391-G-A.
Other names: c.1307-22C>T (NM_001173498.2).
Identifiers: ClinVar variation 558861 (VCV000558861.10), dbSNP rs73002392, ClinGen allele CA9226489.